The following is an entry in ClinVar:

NM_001297.5(CNGB1):c.2674TAC[1] (p.Tyr893del)

Gene: CNGB1 (cyclic nucleotide gated channel subunit beta 1; minus strand). Cytogenetic location: 16q21.
Variant type: Microsatellite.
Coding change: c.2674TAC[1] on transcript NM_001297.5 (MANE Select); one copy of the 3-base unit TAC starting at c.2674; the reference has two copies in a row; one copy, 3 bases deleted.
Protein change: p.Tyr893del; deletes tyrosine 893.
Molecular consequence: inframe deletion.
Genome position (GRCh38, 1-based): chr16:57,903,937-57,903,939, GTA deleted on the plus strand (TAC on the coding strand, the reverse complement: CNGB1 is on the minus strand); deleting any 3 consecutive bases within chr16:57,903,937-57,903,943 gives the same sequence; the position shown is the placement nearest the transcript's 3' end. VCF-style (leftmost placement, unchanged base first): chr16-57903936-GGTA-G. GRCh37 (hg19) VCF-style: chr16-57937840-GGTA-G.
Other names: c.2656TAC[1], p.Tyr887del (NM_001286130.2); short protein forms Y887del, Y893del.
Identifiers: ClinVar variation 1994104 (VCV001994104.4), dbSNP rs2544618984, ClinGen allele CA2580613879.
Genomic context (GRCh38, chr16:57,903,936, plus strand): 5'-GCACGGACTTGGGGATCTTGTAGAAATTCATGTACTTCACCGTGCTGTCCATGCAGCTGC[GGTA>G]GTAGGTCTGTCCGGCGGTGGCGGCCCCTACCACATCTCTCATCTGGGGGAAGGGTTATGG-3'

ClinVar aggregate classification (germline): Uncertain significance (1 of 4 stars; one submission).

Submission:

Labcorp Genetics (formerly Invitae), Labcorp
Classification: Uncertain significance. Last evaluated: 2023-06-26. Review status: criteria provided, single submitter. Criteria: Invitae Variant Classification Sherloc (09022015). Collection method: clinical testing. Allele origin: germline.
Comment: In summary, the available evidence is currently insufficient to determine the role of this variant in disease. Therefore, it has been classified as a Variant of Uncertain Significance. Experimental studies and prediction algorithms are not available or were not evaluated, and the functional significance of this variant is currently unknown. This variant has not been reported in the literature in individuals affected with CNGB1-related conditions. This variant is not present in population databases (gnomAD no frequency). This variant, c.2677_2679del, results in the deletion of 1 amino acid(s) of the CNGB1 protein (p.Tyr893del), but otherwise preserves the integrity of the reading frame.